The following is an entry in ClinVar:

ClinVar aggregate classification (germline): Likely pathogenic (1 of 4 stars; one submission).

Submission:

Labcorp Genetics (formerly Invitae), Labcorp
Classification: Likely pathogenic. Last evaluated: 2025-10-01. Review status: criteria provided, single submitter. Criteria: Invitae Variant Classification Sherloc (09022015). Collection method: clinical testing. Allele origin: germline.
Comment: This sequence change replaces tyrosine, which is neutral and polar, with serine, which is neutral and polar, at codon 850 of the ABCA4 protein (p.Tyr850Ser). This variant is not present in population databases (gnomAD no frequency). This variant has not been reported in the literature in individuals affected with ABCA4-related conditions. ClinVar contains an entry for this variant (Variation ID: 2985611). Invitae Evidence Modeling of protein sequence and biophysical properties (such as structural, functional, and spatial information, amino acid conservation, physicochemical variation, residue mobility, and thermodynamic stability) indicates that this missense variant is expected to disrupt ABCA4 protein function with a positive predictive value of 95%. This variant disrupts the p.Tyr850 amino acid residue in ABCA4. Other variant(s) that disrupt this residue have been determined to be pathogenic (PMID: 23096905, 29178665, 29555955, 32307445, 33909047). This suggests that this residue is clinically significant, and that variants that disrupt this residue are likely to be disease-causing. In summary, the currently available evidence indicates that the variant is pathogenic, but additional data are needed to prove that conclusively. Therefore, this variant has been classified as Likely Pathogenic.

Literature cited by the submitters: PubMed 23096905; PubMed 29178665; PubMed 29555955; PubMed 32307445; PubMed 33909047.

NM_000350.3(ABCA4):c.2549A>C (p.Tyr850Ser)

Gene: ABCA4 (ATP binding cassette subfamily A member 4; minus strand). Cytogenetic location: 1p22.1.
Variant type: single nucleotide variant.
Coding change: c.2549A>C on transcript NM_000350.3 (MANE Select); coding-DNA position 2549, A replaced by C.
Protein change: p.Tyr850Ser; replaces tyrosine 850 with serine.
Molecular consequence: missense variant.
Genome position (GRCh38, 1-based): chr1:94,055,149, T>G on the plus strand (A>C on the coding strand, the complement: ABCA4 is on the minus strand). VCF-style: chr1-94055149-T-G. GRCh37 (hg19) VCF-style: chr1-94520705-T-G.
Other names: c.2327A>C, p.Tyr776Ser (NM_001425324.1); short protein forms Y776S, Y850S.
Identifiers: ClinVar variation 2985611 (VCV002985611.3), dbSNP rs143797418, ClinGen allele CA341276848.